The following is an entry in ClinVar:

NM_016239.4(MYO15A):c.7431G>A (p.Gln2477=)

Gene: MYO15A (myosin XVA; plus strand). Cytogenetic location: 17p11.2.
Variant type: single nucleotide variant.
Coding change: c.7431G>A on transcript NM_016239.4 (MANE Select); coding-DNA position 7431, G replaced by A.
Protein change: p.Gln2477=; no amino-acid change (glutamine 2477 retained).
Molecular consequence: synonymous variant.
Genome position (GRCh38, 1-based): chr17:18,150,871, G>A. VCF-style: chr17-18150871-G-A. GRCh37 (hg19) VCF-style: chr17-18054185-G-A.
Identifiers: ClinVar variation 227651 (VCV000227651.4), dbSNP rs876657527, ClinGen allele CA10577024.

ClinVar aggregate classification (germline): Likely benign (1 of 4 stars; one submission).

Allele frequency attached by ClinVar (database versions not stated): gnomAD exomes below 0.00001.
gnomAD v4.1: 1 of 1,598,268 alleles (0.000063%); highest among the groups gnomAD compares: South Asian, 0.0011%; no homozygotes.

Submission:

Laboratory for Molecular Medicine, Mass General Brigham Personalized Medicine
Classification: Likely benign. Last evaluated: 2016-01-03. Review status: criteria provided, single submitter. Criteria: LMM Criteria. Collection method: clinical testing. Allele origin: germline. Observed: 1 variant allele.
Comment: p.Gln2477Gln in exon 38 of MYO15A: This variant is not expected to have clinical significance because it does not alter an amino acid residue and is not located within the splice consensus sequence.